The following is an entry in ClinVar:

NM_000540.3(RYR1):c.2996G>A (p.Arg999His)

Gene: RYR1 (ryanodine receptor 1; plus strand). Cytogenetic location: 19q13.2.
Variant type: single nucleotide variant.
Coding change: c.2996G>A on transcript NM_000540.3 (MANE Select); coding-DNA position 2996, G replaced by A.
Protein change: p.Arg999His; replaces arginine 999 with histidine.
Molecular consequence: missense variant.
Genome position (GRCh38, 1-based): chr19:38,466,216, G>A. VCF-style: chr19-38466216-G-A. GRCh37 (hg19) VCF-style: chr19-38956856-G-A.
Other names: NM_000540.2(RYR1):c.2996G>A; p.Arg999His; c.2996G>A, p.Arg999His (NM_001042723.2); short protein forms R999H.
Identifiers: ClinVar variation 133122 (VCV000133122.30), dbSNP rs180714609, ClinGen allele CA024384.
Genomic context (GRCh38, chr19:38,466,216, plus strand): 5'-CGCAGACGACACTGGTGGACCGTCTGGCAGAAAATGGGCACAACGTGTGGGCCCGAGACC[G>A]CGTGGGCCAGGGCTGGAGCTACAGCGCAGTGCAGGACATCCCAGCGCGCCGAAACCCTCG-3'
Protein context (NP_000531.2, residues 989-1009): ENGHNVWARD[Arg999His]VGQGWSYSAV

ClinVar aggregate classification (germline): Uncertain significance. Review status: reviewed by expert panel (3 of 4 stars). 15 submissions from 13 submitters: Uncertain significance (1). 14 of the submissions do not count toward it. Last evaluated 2025-08-01.

Conditions:
RYR1-related disorder. Also called: RYR1-related condition; RYR1-related disorders. Identifiers: MedGen CN239331.
Congenital myopathy with fiber type disproportion. Also called: Congenital fiber-type disproportion myopathy; Congenital fiber-type disproportion. Identifiers: Orphanet 2020, MedGen C0546264, MONDO:0009711. Inheritance: all.
Congenital multicore myopathy with external ophthalmoplegia (CMYO1B). Also called: Minicore myopathy with external ophthalmoplegia; MULTICORE MYOPATHY; Congenital myopathy 1B, autosomal recessive; Minicore myopathy; MULTIMINICORE DISEASE WITH EXTERNAL OPHTHALMOPLEGIA. Identifiers: Orphanet 598, Orphanet 98905, MedGen C1850674, MONDO:0009712, OMIM 255320, HP:0003789.
King Denborough syndrome (KDS). Identifiers: MedGen C1840365, MONDO:0020485, OMIM 619542.
Malignant hyperthermia, susceptibility to, 1 (MHS1). Also called: RYR1-Related Malignant Hyperthermia Susceptibility; Anesthesia related hyperthermia; Malignant hyperpyrexia; Fulminating hyperpyrexia; Pharmacogenic myopathy; Malignant hyperthermia suceptibility 1. Identifiers: Orphanet 423, MedGen C2930980, MONDO:0007783, OMIM 145600.
Central core myopathy (CMYO1A). Also called: CONGENITAL MYOPATHY 1A, AUTOSOMAL DOMINANT, WITH SUSCEPTIBILITY TO MALIGNANT HYPERTHERMIA; Central core disease; Myopathy, central fibrillar. Identifiers: Orphanet 597, MedGen C5830701, MONDO:0007294, OMIM 117000.

Allele frequency attached by ClinVar (database versions not stated): gnomAD 0.00006 and 0.00005; gnomAD exomes 0.00008 and 0.00007; ExAC 0.00011; 1000 Genomes Project 30x 0.00016; 1000 Genomes Project 0.00020; TOPMed 0.00007.
gnomAD v4.1: 129 of 1,613,444 alleles (0.008%); highest among the groups gnomAD compares: Admixed American, 0.013%; no homozygotes.

Submissions 1 to 8 of 15:

ClinGen Malignant Hyperthermia Susceptibility Variant Curation Expert Panel, ClinGen
Classification: Uncertain significance for Malignant hyperthermia, susceptibility to, 1. Last evaluated: 2025-08-01. Review status: reviewed by expert panel. Criteria: ClinGen MHS ACMG Specifications V2. Collection method: curation. Allele origin: germline. Inheritance: Autosomal dominant inheritance. Study: ClinGen.
Comment: This pathogenicity assessment is relevant only for malignant hyperthermia susceptibility (MHS) inherited in an autosomal dominant pattern. Variants in RYR1 can also cause other myopathies inherited in an autosomal dominant pattern or in an autosomal recessive pattern. Some of these disorders may predispose individuals to malignant hyperthermia. RYR1 variants may also contribute to a malignant hyperthermia reaction in combination with other genetic and non-genetic factors and the clinician needs to consider such factors in making management decisions. This sequence variant predicts a substitution of Arginine with Histidine at codon 999 of the RYR1 protein, p.(Arg999His). The maximum allele frequency for this variant among the six major gnomAD populations is NFE: 0.00012, a frequency consistent with pathogenicity for MHS. This variant has been reported in two siblings with central core disease and multi-minicore disease (PMID:16372898). A functional study using patient lymphoblasts was published for this variant, this ex vivo assay did not show a significant shift in the EC50 for calcium release in response to RYR1 agonist as compared to wildtype lymphoblasts (PMID:16372898). This variant does not reside in a hotspot for pathogenic variants that contribute to MHS. A REVEL score of 0.817 supports neither a pathogenic nor a benign status for this variant. This variant has been classified as a Variant of Unknown Significance. No criteria were implemented.

Dasa
Classification: Uncertain significance. Last evaluated: 2025-07-31. Review status: criteria provided, single submitter. Criteria: DASA Assertion Criteria. Collection method: clinical testing. Allele origin: germline. Not counted in ClinVar's aggregate classification.
Comment: NM_000540.3(RYR1):c.2996G>A (p.Arg999His) is a missense variant that results in the substitution of arginine with histidine. This variant is rare in population databases. Computational prediction algorithms are consistent with a deleterious effect. The currently available literature and clinical evidence are not sufficient to establish a definitive association between this variant and the reported condition. Therefore, this variant is classified as a variant of uncertain significance.

All of Us Research Program, National Institutes of Health
Classification: Uncertain significance for Malignant hyperthermia, susceptibility to, 1. Last evaluated: 2024-07-10. Review status: criteria provided, single submitter. Criteria: ACMG Guidelines, 2015. Collection method: clinical testing. Allele origin: germline. Inheritance: Autosomal dominant inheritance. Observed: 19 variant alleles, 19 heterozygotes. Not counted in ClinVar's aggregate classification.
Comment: This missense variant replaces arginine with histidine at codon 999 of the RYR1 protein. Computational prediction suggests that this variant may have deleterious impact on protein structure and function (internally defined REVEL score threshold >= 0.7, PMID: 27666373). A functional study using patient-derived lymphoblasts showed cells carrying this variant did not have increased sensitivity to RYR1-agonists compared to cells carrying wild-type RYR1 (PMID: 16372898). This variant has been identified in a siblings affected with multi-minicores disease and central core disease (PMID: 16372898). This variant has been identified in 17/249292 chromosomes in the general population by the Genome Aggregation Database (gnomAD). The available evidence is insufficient to determine the role of this variant in disease conclusively. Therefore, this variant is classified as a Variant of Uncertain Significance.

This study involves interpretation of variants in research participants for the purpose of population health screening. Participant phenotype was not available at the time of variant classification. Additional details can be found in publication PMID: 35346344, PMCID: PMC8962531

Color Diagnostics, LLC DBA Color Health
Classification: Uncertain significance for Malignant hyperthermia, susceptibility to, 1. Last evaluated: 2024-06-17. Review status: criteria provided, single submitter. Criteria: ACMG Guidelines, 2015. Collection method: clinical testing. Allele origin: germline. Not counted in ClinVar's aggregate classification.
Comment: This missense variant replaces arginine with histidine at codon 999 of the RYR1 protein. Computational prediction suggests that this variant may have deleterious impact on protein structure and function. A functional study has shown that the mutant protein does not show increased sensitivity to RYR1-agonists (PMID: 16372898). This variant has been identified in heterozygosity in two siblings affected with multi-minicore disease and central core disease, as well as their unaffected mother (PMID: 16372898). This variant has been identified in 17/249292 chromosomes in the general population by the Genome Aggregation Database (gnomAD). The available evidence is insufficient to determine the role of this variant in malignant hyperthermia susceptibility conclusively. Therefore, this variant is classified as a Variant of Uncertain Significance.

Genomic Medicine Center of Excellence, King Faisal Specialist Hospital and Research Centre
Classification: Uncertain significance for Central core myopathy. Last evaluated: 2024-03-26. Review status: criteria provided, single submitter. Criteria: ACMG Guidelines, 2015. Collection method: clinical testing. Allele origin: germline. Not counted in ClinVar's aggregate classification.

GeneDx
Classification: Uncertain significance. Last evaluated: 2023-04-25. Review status: criteria provided, single submitter. Criteria: GeneDx Variant Classification Process June 2021. Collection method: clinical testing. Allele origin: germline. Affected: yes. Not counted in ClinVar's aggregate classification.
Comment: Reported previously in the heterozygous state in a patient with multi-minicore disease; this variant was also present in a mildly affected sibling and their unaffected mother (Ducreux et al., 2006); In vitro analysis of R999H indicates that this variant does not affect the intracellular Ca2+ release or sensitivity of the receptor to 4-cmc (Ducreux et al., 2006); Not observed at significant frequency in large population cohorts (gnomAD); In silico analysis supports that this missense variant has a deleterious effect on protein structure/function; This variant is associated with the following publications: (PMID: 32381029, 16372898)

Labcorp Genetics (formerly Invitae), Labcorp
Classification: Uncertain significance for RYR1-related disorder. Last evaluated: 2022-07-19. Review status: criteria provided, single submitter. Criteria: Invitae Variant Classification Sherloc (09022015). Collection method: clinical testing. Allele origin: germline. Not counted in ClinVar's aggregate classification.
Comment: This sequence change replaces arginine, which is basic and polar, with histidine, which is basic and polar, at codon 999 of the RYR1 protein (p.Arg999His). This variant is present in population databases (rs180714609, gnomAD 0.01%). This missense change has been observed in individual(s) with multiminicore disease (PMID: 16372898). ClinVar contains an entry for this variant (Variation ID: 133122). Advanced modeling of protein sequence and biophysical properties (such as structural, functional, and spatial information, amino acid conservation, physicochemical variation, residue mobility, and thermodynamic stability) performed at Invitae indicates that this missense variant is expected to disrupt RYR1 protein function. Experimental studies have shown that this missense change does not substantially affect RYR1 function (PMID: 16372898). In summary, the available evidence is currently insufficient to determine the role of this variant in disease. Therefore, it has been classified as a Variant of Uncertain Significance.

Fulgent Genetics
Classification: Uncertain significance for Central core myopathy; Malignant hyperthermia, susceptibility to, 1; Congenital myopathy 4A, autosomal dominant; Congenital multicore myopathy with external ophthalmoplegia; King Denborough syndrome. Last evaluated: 2021-09-15. Review status: criteria provided, single submitter. Criteria: ACMG Guidelines, 2015. Collection method: clinical testing. Allele origin: unknown. Not counted in ClinVar's aggregate classification.